The following is an entry in ClinVar:

NM_004360.5(CDH1):c.32TGC[4] (p.Leu15del)

Gene: CDH1 (cadherin 1; plus strand). Cytogenetic location: 16q22.1.
Variant type: Microsatellite.
Coding change: c.32TGC[4] on transcript NM_004360.5 (MANE Select); four copies in a row of the 3-base unit TGC starting at c.32; the reference has five copies in a row; one copy, 3 bases deleted.
Protein change: p.Leu15del; deletes leucine 15.
Molecular consequence: inframe deletion. On other transcripts: 5 prime UTR variant (2).
Genome position (GRCh38, 1-based): chr16:68,737,459-68,737,461, TGC deleted; deleting any 3 consecutive bases within chr16:68,737,445-68,737,461 gives the same sequence; the position shown is the placement nearest the transcript's 3' end. VCF-style (leftmost placement, unchanged base first): chr16-68737444-CGCT-C. GRCh37 (hg19) VCF-style: chr16-68771347-CGCT-C.
Other names: c.32TGC[4], p.Leu15del (NM_001317184.2); c.-1584TGC[4] (NM_001317185.2); c.-1788TGC[4] (NM_001317186.2); short protein forms L15del.
Identifiers: ClinVar variation 803264 (VCV000803264.9), dbSNP rs587782476, ClinGen allele CA8129773.

ClinVar aggregate classification (germline): Conflicting classifications of pathogenicity. Review status: criteria provided, conflicting classifications (1 of 4 stars). 2 submissions from 2 submitters: Uncertain significance (1); Likely benign (1). Last evaluated 2021-08-31.

Conditions:
Hereditary diffuse gastric adenocarcinoma (HDGC). Also called: DIFFUSE GASTRIC AND LOBULAR BREAST CANCER SYNDROME. Identifiers: Orphanet 26106, MedGen C1708349, MONDO:0007648, OMIM 137215.

Submissions (2):

Labcorp Genetics (formerly Invitae), Labcorp
Classification: Uncertain significance for Hereditary diffuse gastric adenocarcinoma. Last evaluated: 2021-08-31. Review status: criteria provided, single submitter. Criteria: Invitae Variant Classification Sherloc (09022015). Collection method: clinical testing. Allele origin: germline.
Comment: In summary, the available evidence is currently insufficient to determine the role of this variant in disease. Therefore, it has been classified as a Variant of Uncertain Significance. Experimental studies and prediction algorithms are not available or were not evaluated, and the functional significance of this variant is currently unknown. This variant has been observed in individual(s) with gastric cancer (PMID: 23431106). While this variant is present in population databases (rs761309816), the frequency information is unreliable, as metrics indicate poor data quality at this position in the ExAC database. This variant, c.44_46del, results in the deletion of 1 amino acid(s) of the CDH1 protein (p.Leu15del), but otherwise preserves the integrity of the reading frame.

Mendelics
Classification: Likely benign for Hereditary diffuse gastric adenocarcinoma. Last evaluated: 2019-05-28. Review status: criteria provided, single submitter. Criteria: Mendelics Assertion Criteria 2017. Collection method: clinical testing. Allele origin: unknown.

Literature cited by the submitters: PubMed 23431106 (cited by Labcorp Genetics (formerly Invitae), Labcorp).